The following is an entry in ClinVar:

ClinVar aggregate classification (germline): Uncertain significance. Review status: criteria provided, multiple submitters, no conflicts (2 of 4 stars). 2 submissions from 2 submitters: Uncertain significance (2). Last evaluated 2025-07-19.

Allele frequency attached by ClinVar (database versions not stated): ESP Exome Variant Server 0.00016; ExAC 0.00003; gnomAD 0.00010; TOPMed 0.00018; 1000 Genomes Project 0.00020; 1000 Genomes Project 30x 0.00031.
gnomAD v4.1: 58 of 1,579,468 alleles (0.0037%); highest among the groups gnomAD compares: Admixed American, 0.018%; no homozygotes.

Submissions (2):

Labcorp Genetics (formerly Invitae), Labcorp
Classification: Uncertain significance. Last evaluated: 2025-07-19. Review status: criteria provided, single submitter. Criteria: Invitae Variant Classification Sherloc (09022015). Collection method: clinical testing. Allele origin: germline.
Comment: This sequence change replaces alanine, which is neutral and non-polar, with valine, which is neutral and non-polar, at codon 2105 of the DSCAML1 protein (p.Ala2105Val). This variant is present in population databases (rs146675916, gnomAD 0.007%). This variant has not been reported in the literature in individuals affected with DSCAML1-related conditions. ClinVar contains an entry for this variant (Variation ID: 2050912). An algorithm developed to predict the effect of missense changes on protein structure and function (PolyPhen-2) suggests that this variant is likely to be tolerated. In summary, the available evidence is currently insufficient to determine the role of this variant in disease. Therefore, it has been classified as a Variant of Uncertain Significance.

Ambry Genetics
Classification: Uncertain significance. Last evaluated: 2024-01-29. Review status: criteria provided, single submitter. Criteria: Ambry Variant Classification Scheme 2023. Collection method: clinical testing. Allele origin: germline.

NM_020693.4(DSCAML1):c.6134C>T (p.Ala2045Val)

Gene: DSCAML1 (DS cell adhesion molecule like 1; minus strand). Cytogenetic location: 11q23.3.
Variant type: single nucleotide variant.
Coding change: c.6134C>T on transcript NM_020693.4 (MANE Select); coding-DNA position 6134, C replaced by T.
Protein change: p.Ala2045Val; replaces alanine 2045 with valine.
Molecular consequence: missense variant.
Genome position (GRCh38, 1-based): chr11:117,428,356, G>A on the plus strand (C>T on the coding strand, the complement: DSCAML1 is on the minus strand). VCF-style: chr11-117428356-G-A. GRCh37 (hg19) VCF-style: chr11-117299072-G-A.
Other names: c.6314C>T (NM_020693.2); short protein forms A2045V.
Identifiers: ClinVar variation 2050912 (VCV002050912.5), dbSNP rs146675916, ClinGen allele CA6295855.